The following is an entry in ClinVar:

NM_001256789.3(CACNA1F):c.5124-2_5124-1del

Gene: CACNA1F (calcium voltage-gated channel subunit alpha1 F; minus strand). Cytogenetic location: Xp11.23.
Variant type: Deletion.
Coding change: c.5124-2_5124-1del on transcript NM_001256789.3 (MANE Select); the canonical splice acceptor site of the intron before coding-DNA position 5124, 2 bases deleted (AG; older notation c.5124-2_5124-1delAG).
Molecular consequence: splice acceptor variant.
Genome position (GRCh38, 1-based): chrX:49,207,113-49,207,114, CT deleted on the plus strand (AG on the coding strand, the reverse complement: CACNA1F is on the minus strand). VCF-style (leftmost placement, unchanged base first): chrX-49207112-CCT-C. GRCh37 (hg19) VCF-style: chrX-49063573-CCT-C.
Other names: c.5157-2_5157-1del (NM_005183.4); c.4962-2_4962-1del (NM_001256790.3).
Identifiers: ClinVar variation 2001534 (VCV002001534.4), dbSNP rs2520704437, ClinGen allele CA2580101093.
Genomic context (GRCh38, chrX:49,207,112, plus strand): 5'-TCCCTTGGGCTGAGAATTTCCTTCTTCTGGGATGGTGAAAATGAGAGCCCCAGAGCCTCT[CCT>C]GGGGAAAGGGAGGCACGTTAGGCAGACCAGATCCCTCAATATGTGGCCCTGGACCCCTGG-3'

ClinVar aggregate classification (germline): Likely pathogenic (1 of 4 stars; one submission).

Submission:

Labcorp Genetics (formerly Invitae), Labcorp
Classification: Likely pathogenic. Last evaluated: 2022-05-31. Review status: criteria provided, single submitter. Criteria: Invitae Variant Classification Sherloc (09022015). Collection method: clinical testing. Allele origin: germline.
Comment: This sequence change affects a splice site in intron 43 of the CACNA1F gene. It is expected to disrupt RNA splicing. Variants that disrupt the donor or acceptor splice site typically lead to a loss of protein function (PMID: 16199547), and loss-of-function variants in CACNA1F are known to be pathogenic (PMID: 9662399, 11281458, 17525176, 22194652, 24124559, 26992781). This variant is not present in population databases (gnomAD no frequency). This variant has not been reported in the literature in individuals affected with CACNA1F-related conditions. Algorithms developed to predict the effect of sequence changes on RNA splicing suggest that this variant may disrupt the consensus splice site. In summary, the currently available evidence indicates that the variant is pathogenic, but additional data are needed to prove that conclusively. Therefore, this variant has been classified as Likely Pathogenic.

Literature cited by the submitters: PubMed 16199547; PubMed 9662399; PubMed 11281458; PubMed 17525176; PubMed 22194652; PubMed 24124559; PubMed 26992781.